The following is an entry in ClinVar:

NM_005045.4(RELN):c.7346C>G (p.Thr2449Ser)

Gene: RELN (reelin; minus strand). Cytogenetic location: 7q22.1.
Variant type: single nucleotide variant.
Coding change: c.7346C>G on transcript NM_005045.4 (MANE Select); coding-DNA position 7346, C replaced by G.
Protein change: p.Thr2449Ser; replaces threonine 2449 with serine.
Molecular consequence: missense variant.
Genome position (GRCh38, 1-based): chr7:103,535,319, G>C on the plus strand (C>G on the coding strand, the complement: RELN is on the minus strand). VCF-style: chr7-103535319-G-C. GRCh37 (hg19) VCF-style: chr7-103175766-G-C.
Other names: c.7346C>G, p.Thr2449Ser (NM_173054.3); short protein forms T2449S.
Identifiers: ClinVar variation 4875303 (VCV004875303.2).

ClinVar aggregate classification (germline): Uncertain significance (1 of 4 stars; one submission).

Submission:

CeGaT Center for Human Genetics Tuebingen
Classification: Uncertain significance. Last evaluated: 2026-06-01. Review status: criteria provided, single submitter. Criteria: CeGaT Center For Human Genetics Tuebingen Variant Classification Criteria Version 2. Collection method: clinical testing. Allele origin: germline. Affected: yes. Observed: 1 variant allele.
Comment: RELN: PM2